The following is an entry in ClinVar:

ClinVar aggregate classification (germline): Uncertain significance. Review status: criteria provided, multiple submitters, no conflicts (2 of 4 stars). 2 submissions from 2 submitters: Uncertain significance (2). Last evaluated 2025-11-23.

Conditions:
Developmental and epileptic encephalopathy, 57. Also called: EPILEPTIC ENCEPHALOPATHY, EARLY INFANTILE, 57. Identifiers: MedGen C4540411, MONDO:0033366, OMIM 617771.

Submissions (2):

Victorian Clinical Genetics Services, Murdoch Childrens Research Institute
Classification: Uncertain significance for Developmental and epileptic encephalopathy, 57. Last evaluated: 2025-11-23. Review status: criteria provided, single submitter. Criteria: ACMG Guidelines, 2015. Collection method: clinical testing. Allele origin: germline. Affected: yes.
Comment: This variant is classified as VUS-3B. Evidence in support of pathogenic classification: Variant is absent from gnomAD (v2, v3 and v4); Missense variant predicted to be damaging by in silico tool(s) or highly conserved with a major amino acid change. Additional information: Variant is predicted to result in a missense amino acid change from Arg to Gln; This variant is heterozygous; This gene is associated with autosomal dominant disease; Previous evidence of pathogenicity for this variant is inconclusive. This variant has been identified in an individual with intellectual disability and behavioural abnormality, and classified as VUS by a clinical laboratory in ClinVar (GeneDX personal communication); No published evidence of segregation with disease has been identified for this variant; No published functional evidence has been identified for this variant; No comparable missense variants have previous evidence for pathogenicity; Variant is not located in an established domain, motif, hotspot or informative constraint region; Loss of function and gain of function are known mechanisms of disease in this gene and are associated with developmental and epileptic encephalopathy 57 (MIM#617771). Missense variants are associated with both mechanisms, whereas NMD-predicted variants are associated with loss of function (PMID: 38510274); Inheritance information for this variant is not currently available in this individual.

GeneDx
Classification: Uncertain significance. Last evaluated: 2022-02-02. Review status: criteria provided, single submitter. Criteria: GeneDx Variant Classification Process June 2021. Collection method: clinical testing. Allele origin: germline. Affected: yes.
Comment: Not observed at significant frequency in large population cohorts (gnomAD); In silico analysis supports that this missense variant has a deleterious effect on protein structure/function; Has not been previously published as pathogenic or benign to our knowledge

Literature cited by the submitters: PubMed 38510274 (cited by Victorian Clinical Genetics Services, Murdoch Childrens Research Institute).

NM_198503.5(KCNT2):c.2636G>A (p.Arg879Gln)

Gene: KCNT2 (potassium sodium-activated channel subfamily T member 2; minus strand). Cytogenetic location: 1q31.3.
Variant type: single nucleotide variant.
Coding change: c.2636G>A on transcript NM_198503.5 (MANE Select); coding-DNA position 2636, G replaced by A.
Protein change: p.Arg879Gln; replaces arginine 879 with glutamine.
Molecular consequence: missense variant. On other transcripts: non-coding transcript variant (2).
Genome position (GRCh38, 1-based): chr1:196,285,718, C>T on the plus strand (G>A on the coding strand, the complement: KCNT2 is on the minus strand). VCF-style: chr1-196285718-C-T. GRCh37 (hg19) VCF-style: chr1-196254848-C-T.
Other names: c.2564G>A, p.Arg855Gln (NM_001287819.3); c.2414G>A, p.Arg805Gln (NM_001287820.3); short protein forms R805Q, R855Q, R879Q.
Identifiers: ClinVar variation 1700479 (VCV001700479.3), dbSNP rs2147891262, ClinGen allele CA343975197.